The following is an entry in ClinVar:

NM_000381.4(MID1):c.949del (p.Glu317fs)

Gene: MID1 (midline 1; minus strand). Cytogenetic location: Xp22.2.
Variant type: Deletion.
Coding change: c.949del on transcript NM_000381.4 (MANE Select); coding-DNA position 949, one base deleted (G; older notation c.949delG).
Protein change: p.Glu317fs; shifts the reading frame from glutamic acid 317.
Molecular consequence: frameshift variant.
Genome position (GRCh38, 1-based): chrX:10,482,544, C deleted on the plus strand (G on the coding strand, the reverse complement: MID1 is on the minus strand); the first of 2 consecutive C bases (chrX:10,482,544-10,482,545); deleting either gives the same sequence. VCF-style (leftmost placement, unchanged base first): chrX-10482543-TC-T. GRCh37 (hg19) VCF-style: chrX-10450583-TC-T.
Other names: c.949del, p.Glu317fs (NM_001098624.2, NM_001193277.1, NM_001193279.1 and 2 more transcripts); c.1102del, p.Glu368fs (NM_001193278.1); c.835del, p.Glu279fs (NM_001193280.1, NM_033289.2); short protein forms E279fs, E317fs, E368fs.
Identifiers: ClinVar variation 2572750 (VCV002572750.1), dbSNP rs2519016619, ClinGen allele CA2580615371.

ClinVar aggregate classification (germline): Pathogenic (1 of 4 stars; one submission).

Submission:

GeneDx
Classification: Pathogenic. Last evaluated: 2022-07-10. Review status: criteria provided, single submitter. Criteria: GeneDx Variant Classification Process June 2021. Collection method: clinical testing. Allele origin: germline. Affected: yes.
Comment: Frameshift variant predicted to result in protein truncation or nonsense mediated decay in a gene for which loss of function is a known mechanism of disease; Not observed at significant frequency in large population cohorts (gnomAD); This variant is associated with the following publications: (PMID: 9718340)